The following is an entry in ClinVar:

NM_025074.7(FRAS1):c.6124C>T (p.Pro2042Ser)

Gene: FRAS1 (Fraser extracellular matrix complex subunit 1; plus strand). Cytogenetic location: 4q21.21.
Variant type: single nucleotide variant.
Coding change: c.6124C>T on transcript NM_025074.7 (MANE Select); coding-DNA position 6124, C replaced by T.
Protein change: p.Pro2042Ser; replaces proline 2042 with serine.
Molecular consequence: missense variant.
Genome position (GRCh38, 1-based): chr4:78,448,166, C>T. VCF-style: chr4-78448166-C-T. GRCh37 (hg19) VCF-style: chr4-79369320-C-T.
Other names: p.Pro2042Ser; short protein forms P2042S.
Identifiers: ClinVar variation 349733 (VCV000349733.22), dbSNP rs60539739, ClinGen allele CA2977703.

ClinVar aggregate classification (germline): Benign. Review status: criteria provided, multiple submitters, no conflicts (2 of 4 stars). 5 submissions from 5 submitters: Benign (4). 1 of the submissions does not count toward it. Last evaluated 2026-02-01.

Conditions:
FRAS1-related disorder. Also called: FRAS1-related condition.
Fraser syndrome 1 (FRASRS1). Also called: CRYPTOPHTHALMOS WITH OTHER MALFORMATIONS. Identifiers: Orphanet 2052, MedGen C4551480, MONDO:0054737, OMIM 219000.

Allele frequency attached by ClinVar (database versions not stated): gnomAD exomes 0.00092 and 0.00232; ExAC 0.00299; gnomAD 0.00952 and 0.01012; ESP Exome Variant Server 0.01002; TOPMed 0.01027; 1000 Genomes Project 0.01118; 1000 Genomes Project 30x 0.01156.
gnomAD v4.1: 2,843 of 1,613,620 alleles (0.18%); highest among the groups gnomAD compares: African/African-American, 3.4%; 45 homozygotes.

Submissions (5):

Labcorp Genetics (formerly Invitae), Labcorp
Classification: Benign. Last evaluated: 2026-02-01. Review status: criteria provided, single submitter. Criteria: Invitae Variant Classification Sherloc (09022015). Collection method: clinical testing. Allele origin: germline.

Mayo Clinic Laboratories, Mayo Clinic
Classification: Benign. Last evaluated: 2024-09-18. Review status: criteria provided, single submitter. Criteria: ACMG Guidelines, 2015. Collection method: clinical testing. Allele origin: germline. Observed: 1 variant allele.
Comment: BS1, BS2

Illumina Laboratory Services, Illumina
Classification: Benign for Fraser syndrome 1. Last evaluated: 2018-01-12. Review status: criteria provided, single submitter. Criteria: ICSL Variant Classification Criteria 13 December 2019. Collection method: clinical testing. Allele origin: germline.
Comment: This variant was observed in the ICSL laboratory as part of a predisposition screen in an ostensibly healthy population. It had not been previously curated by ICSL or reported in the Human Gene Mutation Database (HGMD: prior to June 1st, 2018), and was therefore a candidate for classification through an automated scoring system. Utilizing variant allele frequency, disease prevalence and penetrance estimates, and inheritance mode, an automated score was calculated to assess if this variant is too frequent to cause the disease. Based on the score and internal cut-off values, a variant classified as benign is not then subjected to further curation. The score for this variant resulted in a classification of benign for this disease.

Breakthrough Genomics
Classification: Benign. Review status: criteria provided, single submitter. Criteria: ACMG Guidelines, 2015. Collection method: not provided. Allele origin: germline. Inheritance: Autosomal recessive inheritance. Affected: yes.

PreventionGenetics, part of Exact Sciences
Classification: Benign for FRAS1-related condition. Last evaluated: 2021-11-02. Review status: no assertion criteria provided. Collection method: clinical testing. Allele origin: germline. Not counted in ClinVar's aggregate classification.
Comment: This variant is classified as benign based on ACMG/AMP sequence variant interpretation guidelines (Richards et al. 2015 PMID: 25741868, with internal and published modifications).

Literature cited by the submitters: PubMed 31308072 (cited by Mayo Clinic Laboratories, Mayo Clinic).